The following is an entry in ClinVar:

ClinVar aggregate classification (germline): Pathogenic/Likely pathogenic. Review status: criteria provided, multiple submitters, no conflicts (2 of 4 stars). 3 submissions from 3 submitters: Pathogenic (1); Likely pathogenic (1). 1 of the submissions does not count toward it. Last evaluated 2025-01-08.

Conditions:
Familial thoracic aortic aneurysm and aortic dissection (TAAD). Also called: Thoracic aortic aneurysms and dissections. Identifiers: Orphanet 91387, MedGen C4707243, MONDO:0019625.
Marfan syndrome (MFS). Also called: Marfan syndrome type 1; Marfan syndrome, classic; Marfan's syndrome; FBN1-Related Marfan Syndrome; MARFAN SYNDROME, TYPE I. Identifiers: Orphanet 284963, Orphanet 558, MedGen C0024796, MONDO:0007947, OMIM 154700.

Submissions (3):

Labcorp Genetics (formerly Invitae), Labcorp
Classification: Pathogenic for Marfan syndrome; Familial thoracic aortic aneurysm and aortic dissection. Last evaluated: 2025-01-08. Review status: criteria provided, single submitter. Criteria: Invitae Variant Classification Sherloc (09022015). Collection method: clinical testing. Allele origin: germline.
Comment: This sequence change replaces cysteine, which is neutral and slightly polar, with tyrosine, which is neutral and polar, at codon 160 of the FBN1 protein (p.Cys160Tyr). This variant is not present in population databases (gnomAD no frequency). This missense change has been observed in individual(s) with Marfan syndrome (PMID: 19293843). ClinVar contains an entry for this variant (Variation ID: 549250). Invitae Evidence Modeling of protein sequence and biophysical properties (such as structural, functional, and spatial information, amino acid conservation, physicochemical variation, residue mobility, and thermodynamic stability) indicates that this missense variant is expected to disrupt FBN1 protein function with a positive predictive value of 95%. This variant affects a cysteine residue in the EGF-like, TGFBP or hybrid motif domains of FBN1. Cysteine residues are believed to be involved in intramolecular disulfide bridges and have been shown to be important for FBN1 protein structure (PMID: 16905551, 19349279). In addition, missense substitutions affecting cysteine residues within these domains are significantly overrepresented among patients with Marfan syndrome (PMID: 16571647, 17701892). This variant disrupts the p.Cys160 amino acid residue in FBN1. Other variant(s) that disrupt this residue have been observed in individuals with FBN1-related conditions (PMID: 17657824, 19293843), which suggests that this may be a clinically significant amino acid residue. For these reasons, this variant has been classified as Pathogenic.

CHEO Genetics Diagnostic Laboratory, Children's Hospital of Eastern Ontario
Classification: Likely pathogenic for Familial thoracic aortic aneurysm and aortic dissection. Last evaluated: 2020-03-24. Review status: criteria provided, single submitter. Criteria: ACMG Guidelines, 2015. Collection method: clinical testing. Allele origin: germline.

Center for Medical Genetics Ghent, University of Ghent
Classification: Likely pathogenic for Marfan syndrome. Last evaluated: 2017-11-07. Review status: no assertion criteria provided. Collection method: clinical testing. Allele origin: germline. Affected: yes. Not counted in ClinVar's aggregate classification.

Literature cited by the submitters: PubMed 19293843 (cited by Labcorp Genetics (formerly Invitae), Labcorp); PubMed 16905551 (cited by Labcorp Genetics (formerly Invitae), Labcorp); PubMed 19349279 (cited by Labcorp Genetics (formerly Invitae), Labcorp); PubMed 16571647 (cited by Labcorp Genetics (formerly Invitae), Labcorp); PubMed 17701892 (cited by Labcorp Genetics (formerly Invitae), Labcorp); PubMed 17657824 (cited by Labcorp Genetics (formerly Invitae), Labcorp).

NM_000138.5(FBN1):c.479G>A (p.Cys160Tyr)

Gene: FBN1 (fibrillin 1; minus strand). Cytogenetic location: 15q21.1.
Variant type: single nucleotide variant.
Coding change: c.479G>A on transcript NM_000138.5 (MANE Select); coding-DNA position 479, G replaced by A.
Protein change: p.Cys160Tyr; replaces cysteine 160 with tyrosine.
Molecular consequence: missense variant.
Genome position (GRCh38, 1-based): chr15:48,596,342, C>T on the plus strand (G>A on the coding strand, the complement: FBN1 is on the minus strand). VCF-style: chr15-48596342-C-T. GRCh37 (hg19) VCF-style: chr15-48888539-C-T.
Other names: short protein forms C160Y.
Identifiers: ClinVar variation 549250 (VCV000549250.12), dbSNP rs1555404810, ClinGen allele CA392446344.